The following is an entry in ClinVar:

NM_001384140.1(PCDH15):c.4102G>T (p.Glu1368Ter)

Gene: PCDH15 (protocadherin related 15; minus strand). Cytogenetic location: 10q21.1.
Variant type: single nucleotide variant.
Coding change: c.4102G>T on transcript NM_001384140.1 (MANE Select); coding-DNA position 4102, G replaced by T.
Protein change: p.Glu1368Ter; replaces glutamic acid 1368 with a stop codon.
Molecular consequence: nonsense.
Genome position (GRCh38, 1-based): chr10:53,831,415, C>A on the plus strand (G>T on the coding strand, the complement: PCDH15 is on the minus strand). VCF-style: chr10-53831415-C-A. GRCh37 (hg19) VCF-style: chr10-55591175-C-A.
Other names: NM_001384140.1(PCDH15):c.4102G>T; p.Glu1368Ter; c.4117G>T, p.Glu1373Ter (NM_001142763.2, NM_001142771.2); c.4102G>T, p.Glu1368Ter (NM_001142764.2, NM_001142766.2, NM_001142770.3 and 4 more transcripts); c.3889G>T, p.Glu1297Ter (NM_001142765.2); c.3991G>T, p.Glu1331Ter (NM_001142767.2); c.4036G>T, p.Glu1346Ter (NM_001142768.2, NM_001142773.2, NM_001354404.2); c.4138G>T, p.Glu1380Ter (NM_001142769.4); and 1 more; short protein forms E1297*, E1331*, E1346*, E1368*, E1373*, E1375*, E1380*.
Identifiers: ClinVar variation 1076811 (VCV001076811.10), dbSNP rs779165268, ClinGen allele CA5505468.

ClinVar aggregate classification (germline): Pathogenic/Likely pathogenic. Review status: criteria provided, multiple submitters, no conflicts (2 of 4 stars). 3 submissions from 3 submitters: Pathogenic (1); Likely pathogenic (2). Last evaluated 2024-03-04.

Conditions:
Autosomal recessive nonsyndromic hearing loss 23. Identifiers: Orphanet 90636, MedGen C1836027, MONDO:0012293, OMIM 609533.
Usher syndrome type 1F (USH1F). Also called: USHER SYNDROME, TYPE IF. Identifiers: Orphanet 231169, Orphanet 886, MedGen C1865885, MONDO:0011186, OMIM 602083.

Allele frequency attached by ClinVar (database versions not stated): gnomAD exomes below 0.00001; ExAC 0.00001; gnomAD 0.00001 and 0.00002; TOPMed 0.00001.
gnomAD v4.1: 4 of 1,613,996 alleles (0.00025%); highest among the groups gnomAD compares: African/African-American, 0.0053%; no homozygotes.

Submissions (3):

Labcorp Genetics (formerly Invitae), Labcorp
Classification: Pathogenic. Last evaluated: 2024-03-04. Review status: criteria provided, single submitter. Criteria: Invitae Variant Classification Sherloc (09022015). Collection method: clinical testing. Allele origin: germline.
Comment: This sequence change creates a premature translational stop signal (p.Glu1368*) in the PCDH15 gene. It is expected to result in an absent or disrupted protein product. Loss-of-function variants in PCDH15 are known to be pathogenic (PMID: 11398101, 11487575, 14570705). This variant is present in population databases (rs779165268, gnomAD 0.007%). This variant has not been reported in the literature in individuals affected with PCDH15-related conditions. ClinVar contains an entry for this variant (Variation ID: 1076811). For these reasons, this variant has been classified as Pathogenic.

Baylor Genetics
Classification: Likely pathogenic for Autosomal recessive nonsyndromic hearing loss 23. Last evaluated: 2023-05-26. Review status: criteria provided, single submitter. Criteria: ACMG Guidelines, 2015. Collection method: clinical testing. Allele origin: unknown.

Broad Center for Mendelian Genomics, Broad Institute of MIT and Harvard
Classification: Likely pathogenic for Usher syndrome type 1F. Last evaluated: 2023-01-24. Review status: criteria provided, single submitter. Criteria: ACMG Guidelines, 2015. Collection method: curation. Allele origin: germline. Inheritance: Autosomal recessive inheritance.
Comment: The p.Glu1368Ter variant in PCDH15 has not been previously reported in the literature in individuals with Usher syndrome type 1F but has been identified in 0.006% (1/16256) of African/African American chromosomes by the Genome Aggregation Database (gnomAD; dbSNP ID: rs779165268). Although this variant has been seen in the general population in a heterozygous state, its frequency is low enough to be consistent with a recessive carrier frequency. This variant has also been reported in ClinVar (Variation ID#: 1076811) and has been interpreted as pathogenic by Invitae. This nonsense variant leads to a premature termination codon at position 1368, which is predicted to lead to a truncated or absent protein. Loss of function of the PCDH15 gene is an established disease mechanism in autosomal recessive Usher syndrome type 1F. In summary, although additional studies are required to fully establish its clinical significance, this variant is likely pathogenic for autosomal recessive Usher syndrome type 1F. ACMG/AMP Criteria applied: PVS1, PM2 (Richards 2015).

Literature cited by the submitters: PubMed 11398101 (cited by Labcorp Genetics (formerly Invitae), Labcorp); PubMed 11487575 (cited by Labcorp Genetics (formerly Invitae), Labcorp); PubMed 14570705 (cited by Labcorp Genetics (formerly Invitae), Labcorp).